The following is an entry in ClinVar:

NM_000398.7(CYB5R3):c.116C>G (p.Pro39Arg)

Gene: CYB5R3 (cytochrome b5 reductase 3; minus strand). Cytogenetic location: 22q13.2.
Variant type: single nucleotide variant.
Coding change: c.116C>G on transcript NM_000398.7 (MANE Select); coding-DNA position 116, C replaced by G.
Protein change: p.Pro39Arg; replaces proline 39 with arginine.
Molecular consequence: missense variant.
Genome position (GRCh38, 1-based): chr22:42,636,752, G>C on the plus strand (C>G on the coding strand, the complement: CYB5R3 is on the minus strand). VCF-style: chr22-42636752-G-C. GRCh37 (hg19) VCF-style: chr22-43032758-G-C.
Other names: c.116C>G, p.Pro39Arg (NM_001031678.1); c.47C>G, p.Pro16Arg (NM_001129819.2, NM_001171661.1, NM_007326.4); c.215C>G, p.Pro72Arg (NM_001171660.2); short protein forms P16R, P72R, P39R.
Identifiers: ClinVar variation 2173190 (VCV002173190.2), dbSNP rs371323516, ClinGen allele CA10269914.

ClinVar aggregate classification (germline): Uncertain significance. Review status: criteria provided, multiple submitters, no conflicts (2 of 4 stars). 2 submissions from 2 submitters: Uncertain significance (2). Last evaluated 2024-12-10.

Conditions:
Deficiency of cytochrome-b5 reductase. Also called: METHEMOGLOBINEMIA, CONGENITAL, AUTOSOMAL RECESSIVE; NADH-DEPENDENT METHEMOGLOBIN REDUCTASE DEFICIENCY. Identifiers: Orphanet 621, MedGen C0268193, MONDO:0009606, OMIM 250800.

gnomAD v4.1: 24 of 1,613,384 alleles (0.0015%); highest among the groups gnomAD compares: Admixed American, 0.038%; 1 homozygote.

Submissions (2):

Revvity Omics, Revvity
Classification: Uncertain significance for Deficiency of cytochrome-b5 reductase. Last evaluated: 2024-12-10. Review status: criteria provided, single submitter. Criteria: ACMG Guidelines, 2015. Collection method: clinical testing. Allele origin: germline.

Labcorp Genetics (formerly Invitae), Labcorp
Classification: Uncertain significance. Last evaluated: 2022-07-01. Review status: criteria provided, single submitter. Criteria: Invitae Variant Classification Sherloc (09022015). Collection method: clinical testing. Allele origin: germline.
Comment: This sequence change replaces proline, which is neutral and non-polar, with arginine, which is basic and polar, at codon 39 of the CYB5R3 protein (p.Pro39Arg). This variant is present in population databases (rs371323516, gnomAD 0.06%), including at least one homozygous and/or hemizygous individual. This variant has not been reported in the literature in individuals affected with CYB5R3-related conditions. Algorithms developed to predict the effect of missense changes on protein structure and function are either unavailable or do not agree on the potential impact of this missense change (SIFT: "Tolerated"; PolyPhen-2: "Probably Damaging"; Align-GVGD: "Class C0"). In summary, the available evidence is currently insufficient to determine the role of this variant in disease. Therefore, it has been classified as a Variant of Uncertain Significance.